The following is an entry in ClinVar:

NM_019066.5(MAGEL2):c.2177T>C (p.Ile726Thr)

Gene: MAGEL2 (MAGE family member L2; minus strand). Cytogenetic location: 15q11.2.
Variant type: single nucleotide variant.
Coding change: c.2177T>C on transcript NM_019066.5 (MANE Select); coding-DNA position 2177, T replaced by C.
Protein change: p.Ile726Thr; replaces isoleucine 726 with threonine.
Molecular consequence: missense variant.
Genome position (GRCh38, 1-based): chr15:23,645,566, A>G on the plus strand (T>C on the coding strand, the complement: MAGEL2 is on the minus strand). VCF-style: chr15-23645566-A-G. GRCh37 (hg19) VCF-style: chr15-23890713-A-G.
Other names: short protein forms I726T.
Identifiers: ClinVar variation 3665303 (VCV003665303.2).
Genomic context (GRCh38, chr15:23,645,566, plus strand): 5'-GAAGGGGCCCTGCGCTCCTTCGAGGAGGTCCTGCGCTCTTTAGAGGAGCCCCTGCGGTCT[A>G]TAGAAGAGGCCCTGCATTCTCCTGATGGAGTCATCAATGATTTAGCGGAGCCCAGGGGAA-3'
Protein context (NP_061939.3, residues 716-736): TPSGECRASS[Ile726Thr]DRRGSSKERR

ClinVar aggregate classification (germline): Uncertain significance (1 of 4 stars; one submission).

gnomAD v4.1: 3 of 1,611,500 alleles (0.00019%); highest among the groups gnomAD compares: South Asian, 0.0011%; no homozygotes.

Submission:

Labcorp Genetics (formerly Invitae), Labcorp
Classification: Uncertain significance. Last evaluated: 2024-12-18. Review status: criteria provided, single submitter. Criteria: Invitae Variant Classification Sherloc (09022015). Collection method: clinical testing. Allele origin: germline.
Comment: This sequence change replaces isoleucine, which is neutral and non-polar, with threonine, which is neutral and polar, at codon 726 of the MAGEL2 protein (p.Ile726Thr). This variant is present in population databases (rs371598912, gnomAD 0.003%). This variant has not been reported in the literature in individuals affected with MAGEL2-related conditions. Invitae Evidence Modeling of protein sequence and biophysical properties (such as structural, functional, and spatial information, amino acid conservation, physicochemical variation, residue mobility, and thermodynamic stability) indicates that this missense variant is not expected to disrupt MAGEL2 protein function with a negative predictive value of 80%. In summary, the available evidence is currently insufficient to determine the role of this variant in disease. Therefore, it has been classified as a Variant of Uncertain Significance.